The following is an entry in ClinVar:

ClinVar aggregate classification (germline): Uncertain significance (1 of 4 stars; one submission).

Conditions:
Sulfite oxidase deficiency due to molybdenum cofactor deficiency type C. Also called: Molybdenum cofactor deficiency, complementation group C; Molybdenum cofactor deficiency C. Identifiers: Orphanet 308400, Orphanet 833, MedGen C1854990, MONDO:0014212, OMIM 615501.

Allele frequency attached by ClinVar (database versions not stated): ExAC 0.00001.
gnomAD v4.1: 2 of 1,554,432 alleles (0.00013%); highest among the groups gnomAD compares: Admixed American, 0.0017%; no homozygotes.

Submission:

Labcorp Genetics (formerly Invitae), Labcorp
Classification: Uncertain significance for Sulfite oxidase deficiency due to molybdenum cofactor deficiency type C. Last evaluated: 2025-02-19. Review status: criteria provided, single submitter. Criteria: Invitae Variant Classification Sherloc (09022015). Collection method: clinical testing. Allele origin: germline.
Comment: This sequence change replaces glycine, which is neutral and non-polar, with serine, which is neutral and polar, at codon 50 of the GPHN protein (p.Gly50Ser). This variant is present in population databases (rs764797083, gnomAD 0.003%). This variant has not been reported in the literature in individuals affected with GPHN-related conditions. ClinVar contains an entry for this variant (Variation ID: 1009436). Invitae Evidence Modeling of protein sequence and biophysical properties (such as structural, functional, and spatial information, amino acid conservation, physicochemical variation, residue mobility, and thermodynamic stability) indicates that this missense variant is not expected to disrupt GPHN protein function with a negative predictive value of 80%. In summary, the available evidence is currently insufficient to determine the role of this variant in disease. Therefore, it has been classified as a Variant of Uncertain Significance.

NM_020806.5(GPHN):c.148G>A (p.Gly50Ser)

Gene: GPHN (gephyrin; plus strand). Cytogenetic location: 14q23.3.
Variant type: single nucleotide variant.
Coding change: c.148G>A on transcript NM_020806.5 (MANE Select); coding-DNA position 148, G replaced by A.
Protein change: p.Gly50Ser; replaces glycine 50 with serine.
Molecular consequence: missense variant.
Genome position (GRCh38, 1-based): chr14:66,776,468, G>A. VCF-style: chr14-66776468-G-A. GRCh37 (hg19) VCF-style: chr14-67243186-G-A.
Other names: c.148G>A, p.Gly50Ser (NM_001024218.2, NM_001377514.1, NM_001377515.1 and 4 more transcripts); short protein forms G50S.
Identifiers: ClinVar variation 1009436 (VCV001009436.6), dbSNP rs764797083, ClinGen allele CA7233662.